The following is an entry in ClinVar:

ClinVar aggregate classification (germline): Uncertain significance. Review status: criteria provided, multiple submitters, no conflicts (2 of 4 stars). 3 submissions from 3 submitters: Uncertain significance (3). Last evaluated 2025-12-11.

Conditions:
Cardiovascular phenotype. Identifiers: MedGen CN230736.
TTN-related disorder. Also called: TTN-related disorders; TTN-related condition; TTN-related disease.
Autosomal recessive limb-girdle muscular dystrophy type 2J (LGMDR10). Also called: Limb-girdle muscular dystrophy, type 2J; MUSCULAR DYSTROPHY, LIMB-GIRDLE, AUTOSOMAL RECESSIVE 10. Identifiers: Orphanet 140922, MedGen C1837342, MONDO:0012127, OMIM 608807.
Dilated cardiomyopathy 1G (CMD1G). Identifiers: Orphanet 154, MedGen C1858763, MONDO:0011400, OMIM 604145.

Allele frequency attached by ClinVar (database versions not stated): gnomAD exomes below 0.00001 and 0.00002; ExAC 0.00001; gnomAD 0.00001; TOPMed 0.00001.
gnomAD v4.1: 32 of 1,613,850 alleles (0.002%); highest among the groups gnomAD compares: Non-Finnish European, 0.0027%; no homozygotes.

Submissions (3):

PreventionGenetics, part of Exact Sciences
Classification: Uncertain significance for TTN-related condition. Last evaluated: 2025-12-11. Review status: criteria provided, single submitter. Criteria: ACMG Guidelines, 2015. Collection method: clinical testing. Allele origin: germline.
Comment: The TTN c.104099C>T variant is predicted to result in the amino acid substitution p.Pro34700Leu. To our knowledge, this variant has not been reported in the literature. This variant is reported in 0.00089% of alleles in individuals of European (Non-Finnish) descent in gnomAD. At this time, the clinical significance of this variant is uncertain due to the absence of conclusive functional and genetic evidence.

Labcorp Genetics (formerly Invitae), Labcorp
Classification: Uncertain significance for Dilated cardiomyopathy 1G; Autosomal recessive limb-girdle muscular dystrophy type 2J. Last evaluated: 2024-05-14. Review status: criteria provided, single submitter. Criteria: Invitae Variant Classification Sherloc (09022015). Collection method: clinical testing. Allele origin: germline.
Comment: This sequence change replaces proline, which is neutral and non-polar, with leucine, which is neutral and non-polar, at codon 34700 of the TTN protein (p.Pro34700Leu). This variant is present in population databases (rs757181586, gnomAD 0.0009%). This variant has not been reported in the literature in individuals affected with TTN-related conditions. ClinVar contains an entry for this variant (Variation ID: 1489323). Experimental studies and prediction algorithms are not available or were not evaluated, and the functional significance of this variant is currently unknown. This variant is located in the M band of TTN (PMID: 25589632). Non-truncating variants in this region may be relevant for neuromuscular disorders, but have not been definitively shown to cause cardiomyopathy (PMID: 23975875). In summary, the available evidence is currently insufficient to determine the role of this variant in disease. Therefore, it has been classified as a Variant of Uncertain Significance.

Ambry Genetics
Classification: Uncertain significance for Cardiovascular phenotype. Last evaluated: 2018-07-10. Review status: criteria provided, single submitter. Criteria: Ambry Variant Classification Scheme 2023. Collection method: clinical testing. Allele origin: germline.
Comment: The p.P25635L variant (also known as c.76904C>T), located in coding exon 185 of the TTN gene, results from a C to T substitution at nucleotide position 76904. The proline at codon 25635 is replaced by leucine, an amino acid with similar properties. This amino acid position is highly conserved in available vertebrate species. In addition, this alteration is predicted to be possibly damaging by PolyPhen silico analysis. Since supporting evidence is limited at this time, the clinical significance of this alteration remains unclear.

Literature cited by the submitters: PubMed 25589632 (cited by Labcorp Genetics (formerly Invitae), Labcorp); PubMed 23975875 (cited by Labcorp Genetics (formerly Invitae), Labcorp).

NM_001267550.2(TTN):c.104099C>T (p.Pro34700Leu)

Genes: TTN-AS1 (TTN antisense RNA 1; plus strand), TTN (titin; minus strand). Cytogenetic location: 2q31.2.
Variant type: single nucleotide variant.
Coding change: c.104099C>T on transcript NM_001267550.2 (MANE Select); coding-DNA position 104099, C replaced by T.
Protein change: p.Pro34700Leu; replaces proline 34700 with leucine.
Molecular consequence: missense variant.
Genome position (GRCh38, 1-based): chr2:178,532,516, G>A on the plus strand (C>T on the coding strand, the complement: TTN is on the minus strand). VCF-style: chr2-178532516-G-A. GRCh37 (hg19) VCF-style: chr2-179397243-G-A.
Other names: c.99176C>T, p.Pro33059Leu (NM_001256850.1); c.76904C>T, p.Pro25635Leu (NM_003319.4); c.96395C>T, p.Pro32132Leu (NM_133378.4); c.77279C>T, p.Pro25760Leu (NM_133432.3); c.77480C>T, p.Pro25827Leu (NM_133437.4); short protein forms P25635L, P25760L, P32132L, P34700L, P25827L, P33059L.
Identifiers: ClinVar variation 1489323 (VCV001489323.10), dbSNP rs757181586, ClinGen allele CA1985483.